The following is an entry in ClinVar:

NM_002016.2(FLG):c.1063C>T (p.Gln355Ter)

Genes: CCDST (cervical cancer associated DHX9 suppressive transcript; plus strand), FLG (filaggrin; minus strand). Cytogenetic location: 1q21.3.
Variant type: single nucleotide variant.
Coding change: c.1063C>T on transcript NM_002016.2 (MANE Select); coding-DNA position 1063, C replaced by T.
Protein change: p.Gln355Ter; replaces glutamine 355 with a stop codon.
Molecular consequence: nonsense. On other transcripts: non-coding transcript variant (1).
Genome position (GRCh38, 1-based): chr1:152,313,823, G>A on the plus strand (C>T on the coding strand, the complement: FLG is on the minus strand). VCF-style: chr1-152313823-G-A. GRCh37 (hg19) VCF-style: chr1-152286299-G-A.
Other names: short protein forms Q355*.
Identifiers: ClinVar variation 280412 (VCV000280412.11), dbSNP rs142991475, ClinGen allele CA1107811.

ClinVar aggregate classification (germline): Pathogenic. Review status: criteria provided, multiple submitters, no conflicts (2 of 4 stars). 4 submissions from 4 submitters: Pathogenic (4). Last evaluated 2026-10-17.

Conditions:
Ichthyosis vulgaris. Also called: ICHTHYOSIS SIMPLEX; Dominant ichthyosis vulgaris. Identifiers: MedGen C0079584, MONDO:0024304, OMIM 146700.
FLG-related disorder. Also called: FLG-related disorders; FLG-related condition.

Allele frequency attached by ClinVar (database versions not stated): gnomAD 0.00003; 1000 Genomes Project 0.00020; TOPMed 0.00006; 1000 Genomes Project 30x 0.00016; gnomAD exomes 0.00010; ESP Exome Variant Server 0.00023.
gnomAD v4.1: 141 of 1,614,124 alleles (0.0087%); highest among the groups gnomAD compares: Non-Finnish European, 0.011%; no homozygotes.

Submissions (4):

GeneDx
Classification: Pathogenic. Last evaluated: 2026-10-17. Review status: criteria provided, single submitter. Criteria: GeneDx Variant Classification Process June 2021. Collection method: clinical testing. Allele origin: germline.
Comment: Loss-of-function variants are associated with ichthyosis vulgaris and atopic dermatitis; this variant has been published previously in association with FLG-related disorders (PMID: 16444271, 32018027); Nonsense variant predicted to result in protein truncation, as the last 3707 amino acid(s) are lost, and other loss-of-function variants have been reported downstream in HGMD; This variant is associated with the following publications: (PMID: 37200867, 32018027, 16444271)

PreventionGenetics, part of Exact Sciences
Classification: Pathogenic for FLG-related condition. Last evaluated: 2026-08-09. Review status: criteria provided, single submitter. Criteria: ACMG Guidelines, 2015. Collection method: clinical testing. Allele origin: germline.
Comment: The FLG c.1063C>T variant is predicted to result in premature protein termination (p.Gln355*). This variant has been reported in an individual with FLG-related disease (van Leersum et al. 2020. PubMed ID: 32018027). This variant is reported in 0.012% of alleles in individuals of European (non-Finnish) descent in gnomAD and is interpreted as pathogenic in the ClinVar database (Variation ID: 280412). Nonsense variants in FLG are expected to be pathogenic. This variant is interpreted as pathogenic.

Genome-Nilou Lab
Classification: Pathogenic for Ichthyosis vulgaris. Last evaluated: 2023-04-11. Review status: criteria provided, single submitter. Criteria: ACMG Guidelines, 2015. Collection method: clinical testing. Allele origin: germline. Affected: no.

Greenwood Genetic Center Diagnostic Laboratories, Greenwood Genetic Center
Classification: Pathogenic for Ichthyosis vulgaris. Last evaluated: 2021-10-20. Review status: criteria provided, single submitter. Criteria: ACMG Guidelines, 2015. Collection method: clinical testing. Allele origin: germline. Affected: yes.
Comment: PVS1, PM2, PM3